The following is an entry in ClinVar:

NM_138927.4(SON):c.1829G>T (p.Gly610Val)

Gene: SON (SON DNA and RNA binding protein; plus strand). Cytogenetic location: 21q22.11.
Variant type: single nucleotide variant.
Coding change: c.1829G>T on transcript NM_138927.4 (MANE Select); coding-DNA position 1829, G replaced by T.
Protein change: p.Gly610Val; replaces glycine 610 with valine.
Molecular consequence: missense variant. On other transcripts: non-coding transcript variant (1), intron variant (1).
Genome position (GRCh38, 1-based): chr21:33,551,060, G>T. VCF-style: chr21-33551060-G-T. GRCh37 (hg19) VCF-style: chr21-34923366-G-T.
Other names: c.1829G>T, p.Gly610Val (NM_001291411.2, NM_001412133.1, NM_032195.3 and 2 more transcripts); c.244+4681G>T (NM_001291412.3); short protein forms G610V.
Identifiers: ClinVar variation 2855565 (VCV002855565.3), dbSNP rs781604164, ClinGen allele CA10008981.

ClinVar aggregate classification (germline): Uncertain significance (1 of 4 stars; one submission).

Allele frequency attached by ClinVar (database versions not stated): gnomAD exomes below 0.00001; TOPMed below 0.00001; ExAC 0.00001.
gnomAD v4.1: 2 of 1,612,342 alleles (0.00012%); highest among the groups gnomAD compares: Admixed American, 0.0033%; no homozygotes.

Submission:

Labcorp Genetics (formerly Invitae), Labcorp
Classification: Uncertain significance. Last evaluated: 2023-10-04. Review status: criteria provided, single submitter. Criteria: Invitae Variant Classification Sherloc (09022015). Collection method: clinical testing. Allele origin: germline.
Comment: This sequence change replaces glycine, which is neutral and non-polar, with valine, which is neutral and non-polar, at codon 610 of the SON protein (p.Gly610Val). This variant is present in population databases (rs781604164, gnomAD 0.003%). This variant has not been reported in the literature in individuals affected with SON-related conditions. An algorithm developed to predict the effect of missense changes on protein structure and function (PolyPhen-2) suggests that this variant is likely to be disruptive. In summary, the available evidence is currently insufficient to determine the role of this variant in disease. Therefore, it has been classified as a Variant of Uncertain Significance.